The following is an entry in ClinVar:

NM_005245.4(FAT1):c.2906A>G (p.His969Arg)

Gene: FAT1 (FAT atypical cadherin 1; minus strand). Cytogenetic location: 4q35.2.
Variant type: single nucleotide variant.
Coding change: c.2906A>G on transcript NM_005245.4 (MANE Select); coding-DNA position 2906, A replaced by G.
Protein change: p.His969Arg; replaces histidine 969 with arginine.
Molecular consequence: missense variant.
Genome position (GRCh38, 1-based): chr4:186,706,922, T>C on the plus strand (A>G on the coding strand, the complement: FAT1 is on the minus strand). VCF-style: chr4-186706922-T-C. GRCh37 (hg19) VCF-style: chr4-187628076-T-C.
Other names: c.2906A>G (NM_005245.3); short protein forms H969R.
Identifiers: ClinVar variation 1979565 (VCV001979565.5), dbSNP rs201568112, ClinGen allele CA3167149.

ClinVar aggregate classification (germline): Uncertain significance. Review status: criteria provided, multiple submitters, no conflicts (2 of 4 stars). 2 submissions from 2 submitters: Uncertain significance (2). Last evaluated 2025-10-14.

Conditions:
Inborn genetic diseases. Identifiers: MedGen C0950123, MeSH D030342.

Allele frequency attached by ClinVar (database versions not stated): TOPMed 0.00005; gnomAD 0.00007; ESP Exome Variant Server 0.00008; gnomAD exomes 0.00009; ExAC 0.00022.
gnomAD v4.1: 150 of 1,613,926 alleles (0.0093%); highest among the groups gnomAD compares: Non-Finnish European, 0.0063%; no homozygotes.

Submissions (2):

Ambry Genetics
Classification: Uncertain significance for Inborn genetic diseases. Last evaluated: 2025-10-14. Review status: criteria provided, single submitter. Criteria: Ambry Variant Classification Scheme 2023. Collection method: clinical testing. Allele origin: germline.

Labcorp Genetics (formerly Invitae), Labcorp
Classification: Uncertain significance. Last evaluated: 2025-03-11. Review status: criteria provided, single submitter. Criteria: Invitae Variant Classification Sherloc (09022015). Collection method: clinical testing. Allele origin: germline.
Comment: This sequence change replaces histidine, which is basic and polar, with arginine, which is basic and polar, at codon 969 of the FAT1 protein (p.His969Arg). This variant is present in population databases (rs201568112, gnomAD 0.08%). This variant has not been reported in the literature in individuals affected with FAT1-related conditions. ClinVar contains an entry for this variant (Variation ID: 1979565). An algorithm developed to predict the effect of missense changes on protein structure and function (PolyPhen-2) suggests that this variant is likely to be tolerated. In summary, the available evidence is currently insufficient to determine the role of this variant in disease. Therefore, it has been classified as a Variant of Uncertain Significance.